The following is an entry in ClinVar:

NM_206933.4(USH2A):c.3536T>C (p.Ile1179Thr)

Genes: USH2A (usherin; minus strand), USH2A-AS1 (USH2A antisense RNA 1; plus strand). Cytogenetic location: 1q41.
Variant type: single nucleotide variant.
Coding change: c.3536T>C on transcript NM_206933.4 (MANE Select); coding-DNA position 3536, T replaced by C.
Protein change: p.Ile1179Thr; replaces isoleucine 1179 with threonine.
Molecular consequence: missense variant.
Genome position (GRCh38, 1-based): chr1:216,199,902, A>G on the plus strand (T>C on the coding strand, the complement: USH2A is on the minus strand). VCF-style: chr1-216199902-A-G. GRCh37 (hg19) VCF-style: chr1-216373244-A-G.
Other names: c.3536T>C, p.Ile1179Thr (NM_007123.6); short protein forms I1179T.
Identifiers: ClinVar variation 1053631 (VCV001053631.5), dbSNP rs560279665, ClinGen allele CA1395970.

ClinVar aggregate classification (germline): Uncertain significance. Review status: criteria provided, multiple submitters, no conflicts (2 of 4 stars). 2 submissions from 2 submitters: Uncertain significance (2). Last evaluated 2022-10-17.

Allele frequency attached by ClinVar (database versions not stated): ExAC 0.00001; gnomAD 0.00001; 1000 Genomes Project 30x 0.00016; 1000 Genomes Project 0.00020.
gnomAD v4.1: 6 of 1,614,106 alleles (0.00037%); highest among the groups gnomAD compares: African/African-American, 0.0013%; no homozygotes.

Submissions (2):

Labcorp Genetics (formerly Invitae), Labcorp
Classification: Uncertain significance. Last evaluated: 2022-10-17. Review status: criteria provided, single submitter. Criteria: Invitae Variant Classification Sherloc (09022015). Collection method: clinical testing. Allele origin: germline.
Comment: This sequence change replaces isoleucine, which is neutral and non-polar, with threonine, which is neutral and polar, at codon 1179 of the USH2A protein (p.Ile1179Thr). This variant is present in population databases (rs560279665, gnomAD 0.003%). This variant has not been reported in the literature in individuals affected with USH2A-related conditions. ClinVar contains an entry for this variant (Variation ID: 1053631). Advanced modeling of protein sequence and biophysical properties (such as structural, functional, and spatial information, amino acid conservation, physicochemical variation, residue mobility, and thermodynamic stability) performed at Invitae indicates that this missense variant is not expected to disrupt USH2A protein function. In summary, the available evidence is currently insufficient to determine the role of this variant in disease. Therefore, it has been classified as a Variant of Uncertain Significance.

Blueprint Genetics
Classification: Uncertain significance. Last evaluated: 2022-06-21. Review status: criteria provided, single submitter. Criteria: ACMG Guidelines, 2015. Collection method: clinical testing. Allele origin: germline.